The following is an entry in ClinVar:

NM_000051.4(ATM):c.8011-13A>T

Genes: ATM (ATM serine/threonine kinase; plus strand), C11orf65 (chromosome 11 open reading frame 65; minus strand). Cytogenetic location: 11q22.3.
Variant type: single nucleotide variant.
Coding change: c.8011-13A>T on transcript NM_000051.4 (MANE Select); 13 bases into the intron before coding-DNA position 8011, A replaced by T.
Molecular consequence: intron variant.
Genome position (GRCh38, 1-based): chr11:108,334,956, A>T. VCF-style: chr11-108334956-A-T. GRCh37 (hg19) VCF-style: chr11-108205683-A-T.
Other names: c.8011-13A>T (NM_001351834.2); c.641-25885T>A (NM_001330368.2); c.*38+264T>A (NM_001351110.2).
Identifiers: ClinVar variation 2164971 (VCV002164971.4), dbSNP rs1488113378, ClinGen allele CA602132847.

ClinVar aggregate classification (germline): Likely benign. Review status: criteria provided, multiple submitters, no conflicts (2 of 4 stars). 2 submissions from 2 submitters: Likely benign (2). Last evaluated 2026-01-13.

Conditions:
Familial cancer of breast. Also called: BREAST CANCER, FAMILIAL; hereditary breast carcinoma; Hereditary breast cancer. Identifiers: Orphanet 227535, MedGen C0346153, MONDO:0016419, OMIM 114480. Disease mechanism: loss of function.
Ataxia-telangiectasia syndrome (AT). Also called: ATAXIA-TELANGIECTASIA, COMPLEMENTATION GROUP A; ATAXIA-TELANGIECTASIA, FRESNO VARIANT; Ataxia-telangiectasia; Ataxia-telangiectasia, complementation group E; LOUIS-BAR SYNDROME; Cerebello-oculocutaneous telangiectasia. Identifiers: Orphanet 100, MedGen C0004135, MONDO:0008840, OMIM 208900.

Allele frequency attached by ClinVar (database versions not stated): gnomAD exomes below 0.00001.
gnomAD v4.1: 2 of 1,609,278 alleles (0.00012%); highest among the groups gnomAD compares: Admixed American, 0.0033%; no homozygotes.

Submissions (2):

Labcorp Genetics (formerly Invitae), Labcorp
Classification: Likely benign for Ataxia-telangiectasia syndrome. Last evaluated: 2026-01-13. Review status: criteria provided, single submitter. Criteria: Invitae Variant Classification Sherloc (09022015). Collection method: clinical testing. Allele origin: germline.

Myriad Genetics, Inc.
Classification: Likely benign for Familial cancer of breast. Last evaluated: 2024-06-18. Review status: criteria provided, single submitter. Criteria: Myriad Autosomal Dominant, Autosomal Recessive and X-Linked Classification Criteria (2023). Collection method: clinical testing. Allele origin: unknown.
Comment: This variant is considered likely benign. This variant is intronic and is not expected to impact mRNA splicing.